The following is an entry in ClinVar:

NM_001048174.2(MUTYH):c.20C>T (p.Ala7Val)

Gene: MUTYH (mutY DNA glycosylase; minus strand). Cytogenetic location: 1p34.1.
Variant type: single nucleotide variant.
Coding change: c.20C>T on transcript NM_001048174.2 (MANE Select); coding-DNA position 20, C replaced by T.
Protein change: p.Ala7Val; replaces alanine 7 with valine.
Molecular consequence: missense variant. On other transcripts: 5 prime UTR variant (4), non-coding transcript variant (2).
Genome position (GRCh38, 1-based): chr1:45,334,486, G>A on the plus strand (C>T on the coding strand, the complement: MUTYH is on the minus strand). VCF-style: chr1-45334486-G-A. GRCh37 (hg19) VCF-style: chr1-45800158-G-A.
Other names: c.20C>T, p.Ala7Val (NM_001048171.2, NM_001048172.2, NM_001048173.2 and 2 more transcripts); c.62C>T, p.Ala21Val (NM_001128425.2, NM_001293190.2, NM_012222.3); c.-193C>T (NM_001293192.2, NM_001293196.2); c.-252C>T (NM_001350650.2); c.-188C>T (NM_001350651.2); short protein forms A21V, A7V.
Identifiers: ClinVar variation 371682 (VCV000371682.19), dbSNP rs1057517460, ClinGen allele CA16040740.

ClinVar aggregate classification (germline): Conflicting classifications of pathogenicity. Review status: criteria provided, conflicting classifications (1 of 4 stars). 6 submissions from 6 submitters: Uncertain significance (4); Benign (1). 1 of the submissions does not count toward it. Last evaluated 2025-09-17.

Conditions:
Hereditary cancer-predisposing syndrome. Also called: Neoplastic Syndromes, Hereditary; Hereditary Cancer Syndrome; Hereditary neoplastic syndrome; Tumor predisposition. Identifiers: Orphanet 140162, MedGen C0027672, MeSH D009386, MONDO:0015356.
Familial adenomatous polyposis 2. Also called: MUTYH Polyposis; FAP type 2; MUTYH-related attenuated familial adenomatous polyposis; MUTYH-associated polyposis; ADENOMAS, MULTIPLE COLORECTAL, AUTOSOMAL RECESSIVE; COLORECTAL ADENOMATOUS POLYPOSIS, AUTOSOMAL RECESSIVE. Identifiers: Orphanet 220460, Orphanet 247798, MedGen C3272841, MONDO:0012041, OMIM 608456.
Gastric cancer. Also called: Malignant tumor of stomach; Stomach cancer. Identifiers: MedGen C0024623, MeSH D013274, MONDO:0001056, OMIM 613659, HP:0012126.

Allele frequency attached by ClinVar (database versions not stated): gnomAD exomes below 0.00001.

Submissions (6):

Ambry Genetics
Classification: Benign for Hereditary cancer-predisposing syndrome. Last evaluated: 2025-09-17. Review status: criteria provided, single submitter. Criteria: Ambry Variant Classification Scheme 2023. Collection method: clinical testing. Allele origin: germline.

Labcorp Genetics (formerly Invitae), Labcorp
Classification: Uncertain significance for Familial adenomatous polyposis 2. Last evaluated: 2024-08-06. Review status: criteria provided, single submitter. Criteria: Invitae Variant Classification Sherloc (09022015). Collection method: clinical testing. Allele origin: germline.
Comment: This sequence change replaces alanine, which is neutral and non-polar, with valine, which is neutral and non-polar, at codon 21 of the MUTYH protein (p.Ala21Val). This variant is not present in population databases (gnomAD no frequency). This missense change has been observed in individual(s) with adenomatous polyposis and/or colorectal cancer (PMID: 17949294, 31780696). ClinVar contains an entry for this variant (Variation ID: 371682). An algorithm developed to predict the effect of missense changes on protein structure and function (PolyPhen-2) suggests that this variant is likely to be disruptive. In summary, the available evidence is currently insufficient to determine the role of this variant in disease. Therefore, it has been classified as a Variant of Uncertain Significance.

Quest Diagnostics Nichols Institute San Juan Capistrano
Classification: Uncertain significance. Last evaluated: 2023-10-10. Review status: criteria provided, single submitter. Criteria: Quest Diagnostics criteria. Collection method: clinical testing. Allele origin: unknown.

Color Diagnostics, LLC DBA Color Health
Classification: Uncertain significance for Hereditary cancer-predisposing syndrome. Last evaluated: 2022-08-30. Review status: criteria provided, single submitter. Criteria: ACMG Guidelines, 2015. Collection method: clinical testing. Allele origin: germline.
Comment: This missense variant replaces alanine with valine at codon 21 of the MUTYH protein. Computational prediction suggests that this variant may not impact protein structure and function (internally defined REVEL score threshold <= 0.5, PMID: 27666373). To our knowledge, functional studies have not been reported for this variant. This variant has been reported in an individual with multiple colorectal adenomas (PMID: 17949294). This variant has not been identified in the general population by the Genome Aggregation Database (gnomAD). The available evidence is insufficient to determine the role of this variant in disease conclusively. Therefore, this variant is classified as a Variant of Uncertain Significance.

Fulgent Genetics
Classification: Uncertain significance for Familial adenomatous polyposis 2; Gastric cancer. Last evaluated: 2021-10-31. Review status: criteria provided, single submitter. Criteria: ACMG Guidelines, 2015. Collection method: clinical testing. Allele origin: unknown.

Counsyl
Classification: Uncertain significance for Familial adenomatous polyposis 2. Last evaluated: 2016-09-08. Review status: no assertion criteria provided. Collection method: clinical testing. Allele origin: unknown. Not counted in ClinVar's aggregate classification.

Literature cited by the submitters: PubMed 17949294 (cited by 5 submitters); PubMed 31780696 (cited by Labcorp Genetics (formerly Invitae), Labcorp and Quest Diagnostics Nichols Institute San Juan Capistrano).